The following is an entry in ClinVar:

ClinVar aggregate classification (germline): Uncertain significance. Review status: criteria provided, multiple submitters, no conflicts (2 of 4 stars). 2 submissions from 2 submitters: Uncertain significance (2). Last evaluated 2025-07-16.

Conditions:
RASopathy. Also called: rasopathies; Noonan spectrum disorder. Identifiers: Orphanet 536391, MedGen C5555857, MONDO:0021060.
Cardiovascular phenotype. Identifiers: MedGen CN230736.

Allele frequency attached by ClinVar (database versions not stated): gnomAD exomes 0.00001.
gnomAD v4.1: 3 of 1,614,152 alleles (0.00019%); highest among the groups gnomAD compares: Admixed American, 0.005%; no homozygotes.

Submissions (2):

Labcorp Genetics (formerly Invitae), Labcorp
Classification: Uncertain significance for RASopathy. Last evaluated: 2025-07-16. Review status: criteria provided, single submitter. Criteria: Invitae Variant Classification Sherloc (09022015). Collection method: clinical testing. Allele origin: germline.
Comment: This sequence change replaces alanine, which is neutral and non-polar, with valine, which is neutral and non-polar, at codon 758 of the CBL protein (p.Ala758Val). This variant is present in population databases (no rsID available, gnomAD 0.006%). This variant has not been reported in the literature in individuals affected with CBL-related conditions. ClinVar contains an entry for this variant (Variation ID: 2190061). Invitae Evidence Modeling of protein sequence and biophysical properties (such as structural, functional, and spatial information, amino acid conservation, physicochemical variation, residue mobility, and thermodynamic stability) indicates that this missense variant is not expected to disrupt CBL protein function with a negative predictive value of 95%. In summary, the available evidence is currently insufficient to determine the role of this variant in disease. Therefore, it has been classified as a Variant of Uncertain Significance.

Ambry Genetics
Classification: Uncertain significance for Cardiovascular phenotype. Last evaluated: 2024-08-25. Review status: criteria provided, single submitter. Criteria: Ambry Variant Classification Scheme 2023. Collection method: clinical testing. Allele origin: germline.
Comment: The p.A758V variant (also known as c.2273C>T), located in coding exon 15 of the CBL gene, results from a C to T substitution at nucleotide position 2273. The alanine at codon 758 is replaced by valine, an amino acid with similar properties. This amino acid position is conserved. In addition, this alteration is predicted to be tolerated by in silico analysis. Based on the available evidence, the clinical significance of this variant remains unclear.

NM_005188.4(CBL):c.2273C>T (p.Ala758Val)

Gene: CBL (Cbl proto-oncogene; plus strand). Cytogenetic location: 11q23.3.
Variant type: single nucleotide variant.
Coding change: c.2273C>T on transcript NM_005188.4 (MANE Select); coding-DNA position 2273, C replaced by T.
Protein change: p.Ala758Val; replaces alanine 758 with valine.
Molecular consequence: missense variant.
Genome position (GRCh38, 1-based): chr11:119,298,379, C>T. VCF-style: chr11-119298379-C-T. GRCh37 (hg19) VCF-style: chr11-119169089-C-T.
Other names: c.2273C>T (NM_005188.2); short protein forms A758V.
Identifiers: ClinVar variation 2190061 (VCV002190061.5), dbSNP rs1209288584, ClinGen allele CA382929020.
Genomic context (GRCh38, chr11:119,298,379, plus strand): 5'-GTGCGTCAGAAGAAGATAACATCACTCATTTTTCTCCAGGTGAAGGGAATTTGGCCGCAG[C>T]CCATGCCAACACTGGTCCCGAGGAGTCAGAAAATGAGGATGATGGGTATGATGTCCCAAA-3'
Protein context (NP_005179.2, residues 748-768): STFGEGNLAA[Ala758Val]HANTGPEESE